The following is an entry in ClinVar:

ClinVar aggregate classification (germline): Likely benign. Review status: criteria provided, multiple submitters, no conflicts (2 of 4 stars). 3 submissions from 3 submitters: Likely benign (2). 1 of the submissions does not count toward it. Last evaluated 2025-03-26.

Conditions:
KIF1B-related disorder. Also called: KIF1B-related condition.
Charcot-Marie-Tooth disease type 2. Also called: Charcot-Marie-Tooth type 2. Identifiers: Orphanet 64746, MedGen C0270914, MONDO:0018993.

gnomAD v4.1: 36 of 1,613,808 alleles (0.0022%); highest among the groups gnomAD compares: Non-Finnish European, 0.0028%; no homozygotes.

Submissions (3):

Labcorp Genetics (formerly Invitae), Labcorp
Classification: Likely benign for Charcot-Marie-Tooth disease type 2. Last evaluated: 2025-03-26. Review status: criteria provided, single submitter. Criteria: Invitae Variant Classification Sherloc (09022015). Collection method: clinical testing. Allele origin: germline.

Ambry Genetics
Classification: Likely benign. Last evaluated: 2020-12-07. Review status: criteria provided, single submitter. Criteria: Ambry Variant Classification Scheme 2023. Collection method: clinical testing. Allele origin: germline.

PreventionGenetics, part of Exact Sciences
Classification: Likely benign for KIF1B-related condition. Last evaluated: 2023-04-19. Review status: no assertion criteria provided. Collection method: clinical testing. Allele origin: germline. Not counted in ClinVar's aggregate classification.
Comment: This variant is classified as likely benign based on ACMG/AMP sequence variant interpretation guidelines (Richards et al. 2015 PMID: 25741868, with internal and published modifications).

NM_001365951.3(KIF1B):c.285C>T (p.Ala95=)

Gene: KIF1B (kinesin family member 1B; plus strand). Cytogenetic location: 1p36.22.
Variant type: single nucleotide variant.
Coding change: c.285C>T on transcript NM_001365951.3 (MANE Select); coding-DNA position 285, C replaced by T.
Protein change: p.Ala95=; no amino-acid change (alanine 95 retained).
Molecular consequence: synonymous variant.
Genome position (GRCh38, 1-based): chr1:10,258,594, C>T. VCF-style: chr1-10258594-C-T. GRCh37 (hg19) VCF-style: chr1-10318652-C-T.
Other names: c.285C>T, p.Ala95= (NM_001365952.1, NM_001365953.1, NM_015074.3 and 1 more transcripts).
Identifiers: ClinVar variation 1796926 (VCV001796926.9), dbSNP rs12402052, ClinGen allele CA580661.